The following is an entry in ClinVar:

NM_201548.5(CERKL):c.210_211delinsTT (p.Trp70_Arg71delinsCysTrp)

Genes: CERKL (CERK like autophagy regulator; minus strand), LOC129935214 (ATAC-STARR-seq lymphoblastoid silent region 12157; plus strand). Cytogenetic location: 2q31.3.
Variant type: Indel.
Coding change: c.210_211delinsTT on transcript NM_201548.5 (MANE Select); coding-DNA positions 210 to 211, GC replaced by TT.
Protein change: p.Trp70_Arg71delinsCysTrp.
Molecular consequence: missense variant. On other transcripts: non-coding transcript variant (2).
Genome position (GRCh38, 1-based): chr2:181,656,796-181,656,797, GC replaced by AA on the plus strand (GC replaced by TT on the coding strand, the reverse complement: CERKL is on the minus strand). VCF-style: chr2-181656796-GC-AA. GRCh37 (hg19) VCF-style: chr2-182521523-GC-AA.
Other names: c.210_211delinsTT, p.Trp70_Arg71delinsCysTrp (NM_001030311.3, NM_001030312.3, NM_001030313.3 and 1 more transcripts); c.210_211delGCinsTT, p.Trp70_Arg71delinsCysTrp (NM_001030314.1, NM_001030315.1).
Identifiers: ClinVar variation 2092751 (VCV002092751.4), dbSNP rs2468581599, ClinGen allele CA2580065234.

ClinVar aggregate classification (germline): Uncertain significance (1 of 4 stars; one submission).

Submission:

Labcorp Genetics (formerly Invitae), Labcorp
Classification: Uncertain significance. Last evaluated: 2022-02-04. Review status: criteria provided, single submitter. Criteria: Invitae Variant Classification Sherloc (09022015). Collection method: clinical testing. Allele origin: germline.
Comment: In summary, the available evidence is currently insufficient to determine the role of this variant in disease. Therefore, it has been classified as a Variant of Uncertain Significance. Experimental studies and prediction algorithms are not available or were not evaluated, and the functional significance of this variant is currently unknown. This variant has not been reported in the literature in individuals affected with CERKL-related conditions. Information on the frequency of this variant in the gnomAD database is not available, as this variant may be reported differently in the database. This variant, c.210_211delinsTT, is a complex sequence change that results in the deletion of 2 and insertion of 2 amino acid(s) in the CERKL protein (p.Trp70_Arg71delinsCysTrp).